The following is an entry in ClinVar:

NM_014003.4(DHX38):c.1499+9C>T

Gene: DHX38 (DEAH-box helicase 38; plus strand). Cytogenetic location: 16q22.2.
Variant type: single nucleotide variant.
Coding change: c.1499+9C>T on transcript NM_014003.4 (MANE Select); 9 bases into the intron after coding-DNA position 1499, C replaced by T.
Molecular consequence: intron variant.
Genome position (GRCh38, 1-based): chr16:72,101,621, C>T. VCF-style: chr16-72101621-C-T. GRCh37 (hg19) VCF-style: chr16-72135520-C-T.
Identifiers: ClinVar variation 775156 (VCV000775156.15), dbSNP rs116798991, ClinGen allele CA8160325.

ClinVar aggregate classification (germline): Benign/Likely benign. Review status: criteria provided, multiple submitters, no conflicts (2 of 4 stars). 4 submissions from 4 submitters: Benign (2); Likely benign (1). 1 of the submissions does not count toward it. Last evaluated 2026-01-20.

Conditions:
DHX38-related disorder. Also called: DHX38-related condition.

Allele frequency attached by ClinVar (database versions not stated): gnomAD exomes 0.00064 and 0.00141; ExAC 0.00255; ESP Exome Variant Server 0.00451; gnomAD 0.00626 and 0.00667; TOPMed 0.00676; 1000 Genomes Project 30x 0.00765; 1000 Genomes Project 0.00819.
gnomAD v4.1: 1,918 of 1,549,486 alleles (0.12%); highest among the groups gnomAD compares: African/African-American, 2.2%; 25 homozygotes.

Submissions (4):

Labcorp Genetics (formerly Invitae), Labcorp
Classification: Benign. Last evaluated: 2026-01-20. Review status: criteria provided, single submitter. Criteria: Invitae Variant Classification Sherloc (09022015). Collection method: clinical testing. Allele origin: germline.

Genomic Medicine Center of Excellence, King Faisal Specialist Hospital and Research Centre
Classification: Likely benign. Last evaluated: 2025-08-18. Review status: criteria provided, single submitter. Criteria: ACMG Guidelines, 2015. Collection method: clinical testing. Allele origin: germline.

Breakthrough Genomics
Classification: Benign. Review status: criteria provided, single submitter. Criteria: ACMG Guidelines, 2015. Collection method: not provided. Allele origin: germline. Inheritance: Autosomal recessive inheritance. Affected: yes.

PreventionGenetics, part of Exact Sciences
Classification: Benign for DHX38-related condition. Last evaluated: 2019-06-03. Review status: no assertion criteria provided. Collection method: clinical testing. Allele origin: germline. Not counted in ClinVar's aggregate classification.
Comment: This variant is classified as benign based on ACMG/AMP sequence variant interpretation guidelines (Richards et al. 2015 PMID: 25741868, with internal and published modifications).